The following is an entry in ClinVar:

NM_005535.3(IL12RB1):c.169del (p.Ser57fs)

Gene: IL12RB1 (interleukin 12 receptor subunit beta 1; minus strand). Cytogenetic location: 19p13.11.
Variant type: Deletion.
Coding change: c.169del on transcript NM_005535.3 (MANE Select); coding-DNA position 169, one base deleted (A; older notation c.169delA).
Protein change: p.Ser57fs; shifts the reading frame from serine 57.
Molecular consequence: frameshift variant.
Genome position (GRCh38, 1-based): chr19:18,082,220, T deleted on the plus strand (A on the coding strand, the reverse complement: IL12RB1 is on the minus strand). VCF-style (leftmost placement, unchanged base first): chr19-18082219-CT-C. GRCh37 (hg19) VCF-style: chr19-18193029-CT-C.
Other names: c.169del, p.Ser57fs (NM_001290023.2, NM_153701.3); c.289delA, p.Ser97Valfs (NM_001290024.2); short protein forms S97fs, S57fs.
Identifiers: ClinVar variation 661930 (VCV000661930.8), dbSNP rs1599555124, ClinGen allele CA915952975.
Genomic context (GRCh38, chr19:18,082,219, plus strand): 5'-AGGAAGTGGCTGACCCCAGCTGTGGGACCCTCATACTGCCAGGAGCACTCGTAACGATCA[CT>C]GGATATCCGATAGCATCTCAGGTCCCTAGGGCCCGAGGCCGAGCCTGGAAGAGATCCTGT-3'

ClinVar aggregate classification (germline): Pathogenic (1 of 4 stars; one submission).

Conditions:
Mendelian susceptibility to mycobacterial diseases due to complete IL12RB1 deficiency. Also called: IL12RB1 DEFICIENCY; Immunodeficiency 30. Identifiers: Orphanet 319552, MedGen C4013949, MONDO:0013955, OMIM 614891.

Submission:

Labcorp Genetics (formerly Invitae), Labcorp
Classification: Pathogenic for Mendelian susceptibility to mycobacterial diseases due to complete IL12RB1 deficiency. Last evaluated: 2022-12-16. Review status: criteria provided, single submitter. Criteria: Invitae Variant Classification Sherloc (09022015). Collection method: clinical testing. Allele origin: germline.
Comment: ClinVar contains an entry for this variant (Variation ID: 661930). This premature translational stop signal has been observed in individual(s) with IL12RB1 deficiency (PMID: 21057261, 24186907). This variant is not present in population databases (gnomAD no frequency). This sequence change creates a premature translational stop signal (p.Ser57Valfs*73) in the IL12RB1 gene. It is expected to result in an absent or disrupted protein product. Loss-of-function variants in IL12RB1 are known to be pathogenic (PMID: 9603733, 12591909). For these reasons, this variant has been classified as Pathogenic.

Literature cited by the submitters: PubMed 21057261; PubMed 24186907; PubMed 9603733; PubMed 12591909.